The following is an entry in ClinVar:

ClinVar aggregate classification (germline): Uncertain significance (1 of 4 stars; one submission).

Allele frequency attached by ClinVar (database versions not stated): gnomAD exomes below 0.00001.
gnomAD v4.1: 1 of 1,590,496 alleles (0.000063%); highest among the groups gnomAD compares: Non-Finnish European, 0.000086%; no homozygotes.

Submission:

GeneDx
Classification: Uncertain significance. Last evaluated: 2022-12-16. Review status: criteria provided, single submitter. Criteria: GeneDx Variant Classification Process June 2021. Collection method: clinical testing. Allele origin: germline. Affected: yes.
Comment: Not observed at significant frequency in large population cohorts (gnomAD); In silico analysis supports that this missense variant has a deleterious effect on protein structure/function; Has not been previously published as pathogenic or benign to our knowledge

NM_014991.6(WDFY3):c.1703G>A (p.Arg568Gln)

Gene: WDFY3 (WD repeat and FYVE domain containing 3; minus strand). Cytogenetic location: 4q21.23.
Variant type: single nucleotide variant.
Coding change: c.1703G>A on transcript NM_014991.6 (MANE Select); coding-DNA position 1703, G replaced by A.
Protein change: p.Arg568Gln; replaces arginine 568 with glutamine.
Molecular consequence: missense variant.
Genome position (GRCh38, 1-based): chr4:84,817,576, C>T on the plus strand (G>A on the coding strand, the complement: WDFY3 is on the minus strand). VCF-style: chr4-84817576-C-T. GRCh37 (hg19) VCF-style: chr4-85738729-C-T.
Other names: short protein forms R568Q.
Identifiers: ClinVar variation 2505875 (VCV002505875.1), dbSNP rs1198585607, ClinGen allele CA357570799.